The following is an entry in ClinVar:

NM_000059.4(BRCA2):c.164A>G (p.Asn55Ser)

Gene: BRCA2 (BRCA2 DNA repair associated; plus strand). Cytogenetic location: 13q13.1.
Variant type: single nucleotide variant.
Coding change: c.164A>G on transcript NM_000059.4 (MANE Select); coding-DNA position 164, A replaced by G.
Protein change: p.Asn55Ser; replaces asparagine 55 with serine.
Molecular consequence: missense variant.
Genome position (GRCh38, 1-based): chr13:32,319,173, A>G. VCF-style: chr13-32319173-A-G. GRCh37 (hg19) VCF-style: chr13-32893310-A-G.
Other names: p.N55S:AAC>AGC; short protein forms N55S.
Identifiers: ClinVar variation 51167 (VCV000051167.21), dbSNP rs80358450, ClinGen allele CA012786.

ClinVar aggregate classification (germline): Conflicting classifications of pathogenicity. Review status: criteria provided, conflicting classifications (1 of 4 stars). 7 submissions from 7 submitters: Uncertain significance (5); Likely benign (1). 1 of the submissions does not count toward it. Last evaluated 2025-12-24.

Conditions:
Hereditary cancer-predisposing syndrome. Also called: Tumor predisposition; Neoplastic Syndromes, Hereditary; Hereditary neoplastic syndrome; Hereditary Cancer Syndrome. Identifiers: Orphanet 140162, MedGen C0027672, MeSH D009386, MONDO:0015356.
Familial pancreatic carcinoma. Identifiers: Orphanet 1333, MedGen C2931038, MONDO:0015278, OMIM 260350.
Hereditary breast ovarian cancer syndrome. Also called: Hereditary breast and ovarian cancer; BRCA1- and BRCA2-Associated Hereditary Breast and Ovarian Cancer; Hereditary breast and/or ovarian cancer syndrome; Hereditary breast and ovarian cancer syndrome; Breast and ovarian cancer; Hereditary breast and ovarian cancer syndrome (HBOC). Identifiers: Orphanet 145, MedGen C0677776, MeSH D061325, MONDO:0003582. Disease mechanism: loss of function.
Breast-ovarian cancer, familial, susceptibility to, 2 (BROVCA2). Also called: BRCA2 Hereditary Breast and Ovarian Cancer. Identifiers: Orphanet 145, MedGen C2675520, MONDO:0012933, OMIM 612555. Disease mechanism: loss of function.

Allele frequency attached by ClinVar (database versions not stated): gnomAD exomes below 0.00001; ExAC 0.00001.

Submissions (7):

Labcorp Genetics (formerly Invitae), Labcorp
Classification: Uncertain significance for Hereditary breast ovarian cancer syndrome. Last evaluated: 2025-12-24. Review status: criteria provided, single submitter. Criteria: Invitae Variant Classification Sherloc (09022015). Collection method: clinical testing. Allele origin: germline.
Comment: This sequence change replaces asparagine, which is neutral and polar, with serine, which is neutral and polar, at codon 55 of the BRCA2 protein (p.Asn55Ser). This variant is present in population databases (rs80358450, gnomAD 0.006%). This variant has not been reported in the literature in individuals affected with BRCA2-related conditions. ClinVar contains an entry for this variant (Variation ID: 51167). Invitae Evidence Modeling of protein sequence and biophysical properties (such as structural, functional, and spatial information, amino acid conservation, physicochemical variation, residue mobility, and thermodynamic stability) indicates that this missense variant is not expected to disrupt BRCA2 protein function with a negative predictive value of 95%. Experimental studies have shown that this missense change does not substantially affect BRCA2 function (PMID: 32444794). In summary, the available evidence is currently insufficient to determine the role of this variant in disease. Therefore, it has been classified as a Variant of Uncertain Significance.

Blueprint Genetics
Classification: Uncertain significance. Last evaluated: 2024-05-16. Review status: criteria provided, single submitter. Criteria: ACMG Guidelines, 2015. Collection method: clinical testing. Allele origin: germline.

Department of Pathology and Laboratory Medicine, Sinai Health System
Classification: Uncertain significance for Familial pancreatic carcinoma. Last evaluated: 2023-10-16. Review status: criteria provided, single submitter. Criteria: ACMG Guidelines, 2015. Collection method: clinical testing. Allele origin: germline. Affected: yes.

GeneDx
Classification: Uncertain significance. Last evaluated: 2023-03-07. Review status: criteria provided, single submitter. Criteria: GeneDx Variant Classification Process June 2021. Collection method: clinical testing. Allele origin: germline. Affected: yes.
Comment: Not observed at significant frequency in large population cohorts (gnomAD); In silico analysis supports that this missense variant does not alter protein structure/function; Variant exhibited normal function in a high-throughput assay using PARP inhibitors (Ikegami et al., 2020); Also known as 392A>G; This variant is associated with the following publications: (PMID: 31131967, 29884841, 32444794, 32377563)

Ambry Genetics
Classification: Likely benign for Hereditary cancer-predisposing syndrome. Last evaluated: 2022-05-03. Review status: criteria provided, single submitter. Criteria: Ambry Variant Classification Scheme 2023. Collection method: clinical testing. Allele origin: germline.

Quest Diagnostics Nichols Institute San Juan Capistrano
Classification: Uncertain significance. Last evaluated: 2020-04-21. Review status: criteria provided, single submitter. Criteria: Quest Diagnostics criteria. Collection method: clinical testing. Allele origin: unknown.

Breast Cancer Information Core (BIC) (BRCA2)
Classification: Uncertain significance for Breast-ovarian cancer, familial 2. Last evaluated: 2004-02-20. Review status: no assertion criteria provided. Collection method: clinical testing. Allele origin: germline. Affected: yes. Observed: 3 variant alleles. Not counted in ClinVar's aggregate classification.

Literature cited by the submitters: PubMed 32444794 (cited by 3 submitters).